The following is an entry in ClinVar:

NM_007215.4(POLG2):c.175G>A (p.Ala59Thr)

Genes: MILR1 (mast cell immunoglobulin like receptor 1; plus strand), POLG2 (DNA polymerase gamma 2, accessory subunit; minus strand). Cytogenetic location: 17q23.3.
Variant type: single nucleotide variant.
Coding change: c.175G>A on transcript NM_007215.4 (MANE Select); coding-DNA position 175, G replaced by A.
Protein change: p.Ala59Thr; replaces alanine 59 with threonine.
Molecular consequence: missense variant.
Genome position (GRCh38, 1-based): chr17:64,496,794, C>T on the plus strand (G>A on the coding strand, the complement: POLG2 is on the minus strand). VCF-style: chr17-64496794-C-T. GRCh37 (hg19) VCF-style: chr17-62492912-C-T.
Other names: c.175G>A (NM_007215.3); short protein forms A59T.
Identifiers: ClinVar variation 2839346 (VCV002839346.4), dbSNP rs782621029, ClinGen allele CA8713077.
Genomic context (GRCh38, chr17:64,496,794, plus strand): 5'-GGAAATGCCTTCTCTGACAGATCTCTAACAGCGCCTCGCTTCCCTCTCCAGACCCGGGGG[C>T]TTCTGGGTGCTCGCCGTTCCCCTCGAGCTCCGCGTGCGACTTCACATGCCCTCCTTTGGG-3'
Protein context (NP_009146.2, residues 49-69): ELEGNGEHPE[Ala59Thr]PGSGEGSEAL

ClinVar aggregate classification (germline): Uncertain significance. Review status: criteria provided, multiple submitters, no conflicts (2 of 4 stars). 2 submissions from 2 submitters: Uncertain significance (2). Last evaluated 2024-10-12.

Allele frequency attached by ClinVar (database versions not stated): gnomAD 0.00001; ExAC 0.00002; TOPMed 0.00002; gnomAD exomes 0.00003.
gnomAD v4.1: 18 of 1,613,862 alleles (0.0011%); highest among the groups gnomAD compares: East Asian, 0.036%; no homozygotes.

Submissions (2):

Labcorp Genetics (formerly Invitae), Labcorp
Classification: Uncertain significance. Last evaluated: 2024-10-12. Review status: criteria provided, single submitter. Criteria: Invitae Variant Classification Sherloc (09022015). Collection method: clinical testing. Allele origin: germline.
Comment: This sequence change replaces alanine, which is neutral and non-polar, with threonine, which is neutral and polar, at codon 59 of the POLG2 protein (p.Ala59Thr). This variant is present in population databases (rs782621029, gnomAD 0.02%). This variant has not been reported in the literature in individuals affected with POLG2-related conditions. An algorithm developed to predict the effect of missense changes on protein structure and function (PolyPhen-2) suggests that this variant is likely to be tolerated. In summary, the available evidence is currently insufficient to determine the role of this variant in disease. Therefore, it has been classified as a Variant of Uncertain Significance.

Ambry Genetics
Classification: Uncertain significance. Last evaluated: 2024-01-09. Review status: criteria provided, single submitter. Criteria: Ambry Variant Classification Scheme 2023. Collection method: clinical testing. Allele origin: germline.